The following is an entry in ClinVar:

ClinVar aggregate classification (germline): Uncertain significance (1 of 4 stars; one submission).

Conditions:
Inborn genetic diseases. Identifiers: MedGen C0950123, MeSH D030342.

Submission:

Ambry Genetics
Classification: Uncertain significance for Inborn genetic diseases. Last evaluated: 2025-05-25. Review status: criteria provided, single submitter. Criteria: Ambry Variant Classification Scheme 2023. Collection method: clinical testing. Allele origin: germline.
Comment: The p.Q947H variant (also known as c.2841G>T), located in coding exon 12 of the MECOM gene, results from a G to T substitution at nucleotide position 2841. The glutamine at codon 947 is replaced by histidine, an amino acid with highly similar properties. This amino acid position is conserved. In addition, the in silico prediction for this alteration is inconclusive. Based on the available evidence, the clinical significance of this variant remains unclear.

NM_004991.4(MECOM):c.2841G>T (p.Gln947His)

Gene: MECOM (MDS1 and EVI1 complex locus; minus strand). Cytogenetic location: 3q26.2.
Variant type: single nucleotide variant.
Coding change: c.2841G>T on transcript NM_004991.4 (MANE Select); coding-DNA position 2841, G replaced by T.
Protein change: p.Gln947His; replaces glutamine 947 with histidine.
Molecular consequence: missense variant.
Genome position (GRCh38, 1-based): chr3:169,100,893, C>A on the plus strand (G>T on the coding strand, the complement: MECOM is on the minus strand). VCF-style: chr3-169100893-C-A. GRCh37 (hg19) VCF-style: chr3-168818681-C-A.
Other names: c.2472G>T, p.Gln824His (NM_001105077.4); c.2277G>T, p.Gln759His (NM_001105078.4, NM_001205194.2, NM_001366469.2 and 1 more transcripts); c.2253G>T, p.Gln751His (NM_001163999.2, NM_001366470.2); c.2250G>T, p.Gln750His (NM_001164000.2, NM_001366471.2, NM_001366472.2); c.2814G>T, p.Gln938His (NM_001366466.2); c.2280G>T, p.Gln760His (NM_001366467.2, NM_001366468.2); c.1842G>T, p.Gln614His (NM_001366473.2); c.1278G>T, p.Gln426His (NM_001366474.2); short protein forms Q759H, Q760H, Q751H, Q824H, Q614H, Q750H, Q426H, Q938H.
Identifiers: ClinVar variation 4053288 (VCV004053288.1).
Genomic context (GRCh38, chr3:169,100,893, plus strand): 5'-CTTTAATTATTACAATATTTATCAAGATATTTAGCAAATATCATTGTCAGACCTGTAAGG[C>A]TGCTCTCCTGTGTGGGTTCTCAAGTGCCGTGTTAGGTTTGCAGACCTTGGAAAAATCTTG-3'
Protein context (NP_004982.2, residues 937-957): TRHLRTHTGE[Gln947His]PYRCKYCDRS